The following is an entry in ClinVar:

NM_001277115.2(DNAH11):c.8870C>T (p.Ala2957Val)

Gene: DNAH11 (dynein axonemal heavy chain 11; plus strand). Cytogenetic location: 7p15.3.
Variant type: single nucleotide variant.
Coding change: c.8870C>T on transcript NM_001277115.2 (MANE Select); coding-DNA position 8870, C replaced by T.
Protein change: p.Ala2957Val; replaces alanine 2957 with valine.
Molecular consequence: missense variant.
Genome position (GRCh38, 1-based): chr7:21,750,294, C>T. VCF-style: chr7-21750294-C-T. GRCh37 (hg19) VCF-style: chr7-21789912-C-T.
Other names: c.8891C>T, p.Ala2964Val (NM_003777.3); short protein forms A2964V, A2957V.
Identifiers: ClinVar variation 2122679 (VCV002122679.4), dbSNP rs369875222, ClinGen allele CA366956287.

ClinVar aggregate classification (germline): Uncertain significance (1 of 4 stars; one submission).

Conditions:
Primary ciliary dyskinesia. Also called: Ciliary dyskinesia. Identifiers: Orphanet 244, MedGen C0008780, MONDO:0016575, HP:0012265.

Submission:

Labcorp Genetics (formerly Invitae), Labcorp
Classification: Uncertain significance for Primary ciliary dyskinesia. Last evaluated: 2022-04-07. Review status: criteria provided, single submitter. Criteria: Invitae Variant Classification Sherloc (09022015). Collection method: clinical testing. Allele origin: germline.
Comment: This variant is not present in population databases (gnomAD no frequency). This sequence change replaces alanine, which is neutral and non-polar, with valine, which is neutral and non-polar, at codon 2957 of the DNAH11 protein (p.Ala2957Val). This variant has not been reported in the literature in individuals affected with DNAH11-related conditions. In summary, the available evidence is currently insufficient to determine the role of this variant in disease. Therefore, it has been classified as a Variant of Uncertain Significance. Advanced modeling of protein sequence and biophysical properties (such as structural, functional, and spatial information, amino acid conservation, physicochemical variation, residue mobility, and thermodynamic stability) performed at Invitae indicates that this missense variant is not expected to disrupt DNAH11 protein function.